The following is an entry in ClinVar:

ClinVar aggregate classification (germline): Benign/Likely benign. Review status: criteria provided, multiple submitters, no conflicts (2 of 4 stars). 4 submissions from 4 submitters: Benign (2); Likely benign (2). Last evaluated 2026-01-28.

Allele frequency attached by ClinVar (database versions not stated): 1000 Genomes Project 30x 0.00078; 1000 Genomes Project 0.00080; TOPMed 0.00162; gnomAD 0.00228 and 0.00232; gnomAD exomes 0.00242; ExAC 0.00452.

Submissions (4):

Labcorp Genetics (formerly Invitae), Labcorp
Classification: Benign. Last evaluated: 2026-01-28. Review status: criteria provided, single submitter. Criteria: Invitae Variant Classification Sherloc (09022015). Collection method: clinical testing. Allele origin: germline.

CeGaT Center for Human Genetics Tuebingen
Classification: Likely benign. Last evaluated: 2025-05-01. Review status: criteria provided, single submitter. Criteria: CeGaT Center For Human Genetics Tuebingen Variant Classification Criteria Version 2. Collection method: clinical testing. Allele origin: germline. Affected: yes. Observed: 1 variant allele.
Comment: NKX3-2: BP4, BP7, BS2

Blueprint Genetics
Classification: Likely benign. Last evaluated: 2024-11-13. Review status: criteria provided, single submitter. Criteria: ACMG Guidelines, 2015. Collection method: clinical testing. Allele origin: germline.

Breakthrough Genomics
Classification: Benign. Review status: criteria provided, single submitter. Criteria: ACMG Guidelines, 2015. Collection method: not provided. Allele origin: germline. Inheritance: Autosomal recessive inheritance. Affected: yes.

NM_001189.4(NKX3-2):c.126G>T (p.Ser42=)

Gene: NKX3-2 (NK3 homeobox 2; minus strand). Cytogenetic location: 4p15.33.
Variant type: single nucleotide variant.
Coding change: c.126G>T on transcript NM_001189.4 (MANE Select); coding-DNA position 126, G replaced by T.
Protein change: p.Ser42=; no amino-acid change (serine 42 retained).
Molecular consequence: synonymous variant.
Genome position (GRCh38, 1-based): chr4:13,544,289, C>A on the plus strand (G>T on the coding strand, the complement: NKX3-2 is on the minus strand). VCF-style: chr4-13544289-C-A. GRCh37 (hg19) VCF-style: chr4-13545913-C-A.
Identifiers: ClinVar variation 721073 (VCV000721073.23), dbSNP rs537629999, ClinGen allele CA2860482.